The following is an entry in ClinVar:

ClinVar aggregate classification (germline): Benign/Likely benign. Review status: criteria provided, multiple submitters, no conflicts (2 of 4 stars). 6 submissions from 6 submitters: Benign (2); Likely benign (3). 1 of the submissions does not count toward it. Last evaluated 2026-01-27.

Conditions:
Hereditary xanthinuria type 1 (XAN1). Identifiers: Orphanet 3467, Orphanet 93601, MedGen C0268118, MONDO:0010209, OMIM 278300.
XDH-related disorder. Also called: XDH-related condition.
Xanthinuria type II. Also called: Xanthine dehydrogenase and aldehyde oxidase combined deficiency of; XDH and AOX dual deficiency. Identifiers: Orphanet 3467, Orphanet 93602, MedGen C1863688, MONDO:0011346, OMIM 603592.

Allele frequency attached by ClinVar (database versions not stated): ESP Exome Variant Server 0.00023; gnomAD exomes 0.00072 and 0.00166; gnomAD 0.00090 and 0.00095; TOPMed 0.00099; ExAC 0.00311.
gnomAD v4.1: 1,257 of 1,583,564 alleles (0.079%); highest among the groups gnomAD compares: Middle Eastern, 0.12%; 20 homozygotes.

Submissions (6):

Labcorp Genetics (formerly Invitae), Labcorp
Classification: Benign for Xanthinuria type II. Last evaluated: 2026-01-27. Review status: criteria provided, single submitter. Criteria: Invitae Variant Classification Sherloc (09022015). Collection method: clinical testing. Allele origin: germline.

Genome-Nilou Lab
Classification: Benign for Hereditary xanthinuria type 1. Last evaluated: 2021-12-05. Review status: criteria provided, single submitter. Criteria: ACMG Guidelines, 2015. Collection method: clinical testing. Allele origin: germline. Affected: no.

Fulgent Genetics
Classification: Likely benign for Hereditary xanthinuria type 1. Last evaluated: 2021-11-13. Review status: criteria provided, single submitter. Criteria: ACMG Guidelines, 2015. Collection method: clinical testing. Allele origin: unknown.

Illumina Laboratory Services, Illumina
Classification: Likely benign for Hereditary xanthinuria type 1. Last evaluated: 2018-01-12. Review status: criteria provided, single submitter. Criteria: ICSL Variant Classification Criteria 13 December 2019. Collection method: clinical testing. Allele origin: germline.
Comment: This variant was observed in the ICSL laboratory as part of a predisposition screen in an ostensibly healthy population. It had not been previously curated by ICSL or reported in the Human Gene Mutation Database (HGMD: prior to June 1st, 2018), and was therefore a candidate for classification through an automated scoring system. Utilizing variant allele frequency, disease prevalence and penetrance estimates, and inheritance mode, an automated score was calculated to assess if this variant is too frequent to cause the disease. Based on the score and internal cut-off values, a variant classified as likely benign is not then subjected to further curation. The score for this variant resulted in a classification of likely benign for this disease.

Breakthrough Genomics
Classification: Likely benign. Review status: criteria provided, single submitter. Criteria: ACMG Guidelines, 2015. Collection method: not provided. Allele origin: germline. Inheritance: Autosomal recessive inheritance. Affected: yes.

PreventionGenetics, part of Exact Sciences
Classification: Likely benign for XDH-related condition. Last evaluated: 2019-11-12. Review status: no assertion criteria provided. Collection method: clinical testing. Allele origin: germline. Not counted in ClinVar's aggregate classification.
Comment: This variant is classified as likely benign based on ACMG/AMP sequence variant interpretation guidelines (Richards et al. 2015 PMID: 25741868, with internal and published modifications).

NM_000379.4(XDH):c.636T>C (p.Phe212=)

Gene: XDH (xanthine dehydrogenase; minus strand). Cytogenetic location: 2p23.1.
Variant type: single nucleotide variant.
Coding change: c.636T>C on transcript NM_000379.4 (MANE Select); coding-DNA position 636, T replaced by C.
Protein change: p.Phe212=; no amino-acid change (phenylalanine 212 retained).
Molecular consequence: synonymous variant.
Genome position (GRCh38, 1-based): chr2:31,387,826, A>G on the plus strand (T>C on the coding strand, the complement: XDH is on the minus strand). VCF-style: chr2-31387826-A-G. GRCh37 (hg19) VCF-style: chr2-31610692-A-G.
Identifiers: ClinVar variation 895718 (VCV000895718.17), dbSNP rs140225517, ClinGen allele CA1599552.